The following is an entry in ClinVar:

NM_021072.4(HCN1):c.1151C>T (p.Thr384Ile)

Gene: HCN1 (hyperpolarization activated cyclic nucleotide gated potassium channel 1; minus strand). Cytogenetic location: 5p12.
Variant type: single nucleotide variant.
Coding change: c.1151C>T on transcript NM_021072.4 (MANE Select); coding-DNA position 1151, C replaced by T.
Protein change: p.Thr384Ile; replaces threonine 384 with isoleucine.
Molecular consequence: missense variant.
Genome position (GRCh38, 1-based): chr5:45,396,571, G>A on the plus strand (C>T on the coding strand, the complement: HCN1 is on the minus strand). VCF-style: chr5-45396571-G-A. GRCh37 (hg19) VCF-style: chr5-45396673-G-A.
Other names: short protein forms T384I.
Identifiers: ClinVar variation 2854291 (VCV002854291.3), dbSNP rs2478006968, ClinGen allele CA359705312.

ClinVar aggregate classification (germline): Uncertain significance (1 of 4 stars; one submission).

Conditions:
Early-infantile DEE. Also called: Ohtahara syndrome; Early infantile epileptic encephalopathy with suppression bursts; Early infantile epileptic encephalopathy. Identifiers: Orphanet 1934, MedGen C0393706, MONDO:0800491.

Submission:

Labcorp Genetics (formerly Invitae), Labcorp
Classification: Uncertain significance for Early-infantile DEE. Last evaluated: 2023-04-09. Review status: criteria provided, single submitter. Criteria: Invitae Variant Classification Sherloc (09022015). Collection method: clinical testing. Allele origin: germline.
Comment: In summary, the available evidence is currently insufficient to determine the role of this variant in disease. Therefore, it has been classified as a Variant of Uncertain Significance. Advanced modeling of protein sequence and biophysical properties (such as structural, functional, and spatial information, amino acid conservation, physicochemical variation, residue mobility, and thermodynamic stability) has been performed at Invitae for this missense variant, however the output from this modeling did not meet the statistical confidence thresholds required to predict the impact of this variant on HCN1 protein function. This variant has not been reported in the literature in individuals affected with HCN1-related conditions. This variant is not present in population databases (gnomAD no frequency). This sequence change replaces threonine, which is neutral and polar, with isoleucine, which is neutral and non-polar, at codon 384 of the HCN1 protein (p.Thr384Ile).